The following is an entry in ClinVar:

ClinVar aggregate classification (germline): Uncertain significance. Review status: criteria provided, multiple submitters, no conflicts (2 of 4 stars). 2 submissions from 2 submitters: Uncertain significance (2). Last evaluated 2025-07-12.

Conditions:
Inborn genetic diseases. Identifiers: MedGen C0950123, MeSH D030342.
Mendelian susceptibility to mycobacterial diseases due to complete IL12B deficiency. Also called: IL12B DEFICIENCY; Immunodeficiency 29. Identifiers: Orphanet 319558, MedGen C4013948, MONDO:0013954, OMIM 614890.

Allele frequency attached by ClinVar (database versions not stated): gnomAD 0.00005 and 0.00007; ExAC 0.00009; gnomAD exomes 0.00010; TOPMed 0.00014; 1000 Genomes Project 30x 0.00016; 1000 Genomes Project 0.00020.
gnomAD v4.1: 94 of 1,613,240 alleles (0.0058%); highest among the groups gnomAD compares: Middle Eastern, 0.035%; no homozygotes.

Submissions (2):

Ambry Genetics
Classification: Uncertain significance for Inborn genetic diseases. Last evaluated: 2025-07-12. Review status: criteria provided, single submitter. Criteria: Ambry Variant Classification Scheme 2023. Collection method: clinical testing. Allele origin: germline.

Labcorp Genetics (formerly Invitae), Labcorp
Classification: Uncertain significance for Mendelian susceptibility to mycobacterial diseases due to complete IL12B deficiency. Last evaluated: 2022-08-21. Review status: criteria provided, single submitter. Criteria: Invitae Variant Classification Sherloc (09022015). Collection method: clinical testing. Allele origin: germline.
Comment: This sequence change replaces valine, which is neutral and non-polar, with methionine, which is neutral and non-polar, at codon 325 of the IL12B protein (p.Val325Met). This variant is present in population databases (rs56064925, gnomAD 0.02%). This variant has not been reported in the literature in individuals affected with IL12B-related conditions. ClinVar contains an entry for this variant (Variation ID: 541807). Algorithms developed to predict the effect of missense changes on protein structure and function are either unavailable or do not agree on the potential impact of this missense change (SIFT: "Deleterious"; PolyPhen-2: "Benign"; Align-GVGD: "Class C0"). In summary, the available evidence is currently insufficient to determine the role of this variant in disease. Therefore, it has been classified as a Variant of Uncertain Significance.

NM_002187.3(IL12B):c.973G>A (p.Val325Met)

Gene: IL12B (interleukin 12B; minus strand). Cytogenetic location: 5q33.3.
Variant type: single nucleotide variant.
Coding change: c.973G>A on transcript NM_002187.3 (MANE Select); coding-DNA position 973, G replaced by A.
Protein change: p.Val325Met; replaces valine 325 with methionine.
Molecular consequence: missense variant.
Genome position (GRCh38, 1-based): chr5:159,316,699, C>T on the plus strand (G>A on the coding strand, the complement: IL12B is on the minus strand). VCF-style: chr5-159316699-C-T. GRCh37 (hg19) VCF-style: chr5-158743707-C-T.
Other names: short protein forms V325M.
Identifiers: ClinVar variation 541807 (VCV000541807.7), dbSNP rs56064925, ClinGen allele CA3538655.